The following is an entry in ClinVar:

ClinVar aggregate classification (germline): not provided (0 of 4 stars; one submission).

Conditions:
Normal pregnancy. Identifiers: MedGen C0232989.

Submission:

Institute of Molecular and Cell Biology, University of Tartu
No classification provided. Condition: Normal pregnancy. Review status: no classification provided. Collection method: case-control. Allele origin: unknown. Affected: yes. Study: Kasak2014.
Comment: The study aimed to determine the contribution of copy number variants in the genetic etiology of normal and complicated pregnancies. The samples represented (i) maternal blood DNA drawn from healthy pregnant women during 1st or 2nd trimester and (ii) maternal and paternal blood DNA drawn at term pregnancy cases representing normal and complicated gestations (severe preeclampsia, PE; gestational diabetes, GD; small-for-gestational age newborn, SGA; large-for-gestational age newborn, LGA). We performed CNV calling based on genome-wide genotyping dataset (Illumina HumanOmniExpress-24-v1 BeadChip) by applying three algorithms, QuantiSNP, GADA (Genome Alteration Detection Algorithm) and CNstream in parallel. The acquired CNV calls were merged with HD-CNV (Hotspot Detector for Copy Number Variants) program and only the CNVs predicted by at least two programs, were considered in subsequent analysis.

Literature cited by the submitters: PubMed 25666259.

NM_001352186.2(ANKS1B):c.1272+40072_1272+46159del

Gene: ANKS1B (ankyrin repeat and sterile alpha motif domain containing 1B; minus strand). Cytogenetic location: 12q23.1.
Variant type: Deletion.
Coding change: c.1272+40072_1272+46159del on transcript NM_001352186.2 (MANE Select); bases 40072 to 46159 of the intron after coding-DNA position 1272, 6,088 bases deleted.
Molecular consequence: intron variant.
Genome position (GRCh38, 1-based): chr12:99,608,908-99,614,995, 6,088 bases deleted. GRCh37 (hg19): chr12:100,002,686-100,008,773.
Other names: c.1272+40072_1272+46159del (NM_152788.4, NM_001352185.1, NM_001352187.1 and 1 more transcripts).
Identifiers: ClinVar variation 157260 (VCV000157260.2), ClinGen allele CA212344.